The following is an entry in ClinVar:

NM_000059.4(BRCA2):c.529C>T (p.Pro177Ser)

Gene: BRCA2 (BRCA2 DNA repair associated; plus strand). Cytogenetic location: 13q13.1.
Variant type: single nucleotide variant.
Coding change: c.529C>T on transcript NM_000059.4 (MANE Select); coding-DNA position 529, C replaced by T.
Protein change: p.Pro177Ser; replaces proline 177 with serine.
Molecular consequence: missense variant. On other transcripts: non-coding transcript variant (1).
Genome position (GRCh38, 1-based): chr13:32,326,511, C>T. VCF-style: chr13-32326511-C-T. GRCh37 (hg19) VCF-style: chr13-32900648-C-T.
Other names: c.529C>T, p.Pro177Ser (NM_001406719.1, NM_001406720.1, NM_001406721.1); c.160C>T, p.Pro54Ser (NM_001406722.1); short protein forms P177S, P54S.
Identifiers: ClinVar variation 2783126 (VCV002783126.5), dbSNP rs2072349190, ClinGen allele CA387757809.
Genomic context (GRCh38, chr13:32,326,511, plus strand): 5'-ATGATCAGGGCATTTCTATAAAAAATAAACTATTTTCTTTCCTCCCAGGGTCGTCAGACA[C>T]CAAAACATATTTCTGAAAGTCTAGGAGCTGAGGTGGATCCTGATATGTCTTGGTCAAGTT-3'
Protein context (NP_000050.3, residues 167-187): TPKFVKGRQT[Pro177Ser]KHISESLGAE

ClinVar aggregate classification (germline): Uncertain significance. Review status: criteria provided, multiple submitters, no conflicts (2 of 4 stars). 3 submissions from 3 submitters: Uncertain significance (3). Last evaluated 2026-03-23.

Conditions:
Hereditary cancer-predisposing syndrome. Also called: Tumor predisposition; Hereditary neoplastic syndrome; Neoplastic Syndromes, Hereditary; Hereditary Cancer Syndrome. Identifiers: Orphanet 140162, MedGen C0027672, MeSH D009386, MONDO:0015356.
BRCA2-related cancer predisposition. Identifiers: MedGen CN377758, MONDO:0700269.
Hereditary breast ovarian cancer syndrome. Also called: BRCA1- and BRCA2-Associated Hereditary Breast and Ovarian Cancer; Hereditary breast and ovarian cancer syndrome; Breast and ovarian cancer; Hereditary breast and/or ovarian cancer syndrome; Hereditary breast and ovarian cancer syndrome (HBOC); Hereditary breast and ovarian cancer. Identifiers: Orphanet 145, MedGen C0677776, MeSH D061325, MONDO:0003582. Disease mechanism: loss of function.

Submissions (3):

Ambry Genetics
Classification: Uncertain significance for Hereditary cancer-predisposing syndrome. Last evaluated: 2026-03-23. Review status: criteria provided, single submitter. Criteria: Ambry Variant Classification Scheme 2023. Collection method: clinical testing. Allele origin: germline.
Comment: The p.P177S variant (also known as c.529C>T), located in coding exon 6 of the BRCA2 gene, results from a C to T substitution at nucleotide position 529. The proline at codon 177 is replaced by serine, an amino acid with similar properties. This amino acid position is well conserved in available vertebrate species. In addition, this alteration is predicted to be tolerated by in silico analysis. Based on the available evidence, the clinical significance of this variant remains unclear.

Labcorp Genetics (formerly Invitae), Labcorp
Classification: Uncertain significance for Hereditary breast ovarian cancer syndrome. Last evaluated: 2025-02-11. Review status: criteria provided, single submitter. Criteria: Invitae Variant Classification Sherloc (09022015). Collection method: clinical testing. Allele origin: germline.
Comment: This sequence change replaces proline, which is neutral and non-polar, with serine, which is neutral and polar, at codon 177 of the BRCA2 protein (p.Pro177Ser). This variant is not present in population databases (gnomAD no frequency). This variant has not been reported in the literature in individuals affected with BRCA2-related conditions. ClinVar contains an entry for this variant (Variation ID: 2783126). Invitae Evidence Modeling of protein sequence and biophysical properties (such as structural, functional, and spatial information, amino acid conservation, physicochemical variation, residue mobility, and thermodynamic stability) indicates that this missense variant is not expected to disrupt BRCA2 protein function with a negative predictive value of 95%. In summary, the available evidence is currently insufficient to determine the role of this variant in disease. Therefore, it has been classified as a Variant of Uncertain Significance.

All of Us Research Program, National Institutes of Health
Classification: Uncertain significance for BRCA2-related cancer predisposition. Last evaluated: 2024-05-30. Review status: criteria provided, single submitter. Criteria: ACMG Guidelines, 2015. Collection method: clinical testing. Allele origin: germline. Inheritance: Autosomal dominant inheritance. Observed: 1 variant allele, 1 heterozygote.
Comment: This missense variant replaces proline with serine at codon 177 of the BRCA2 protein. Computational prediction suggests that this variant may not impact protein structure and function. To our knowledge, functional studies have not been reported for this variant. This variant has not been reported in individuals affected with BRCA2-related disorders in the literature. This variant has not been identified in the general population by the Genome Aggregation Database (gnomAD). The available evidence is insufficient to determine the role of this variant in disease conclusively. Therefore, this variant is classified as a Variant of Uncertain Significance.

This study involves interpretation of variants in research participants for the purpose of population health screening. Participant phenotype was not available at the time of variant classification. Additional details can be found in publication PMID: 35346344, PMCID: PMC8962531